The following is an entry in ClinVar:

NM_018136.5(ASPM):c.8757A>T (p.Arg2919Ser)

Gene: ASPM (assembly factor for spindle microtubules; minus strand). Cytogenetic location: 1q31.3.
Variant type: single nucleotide variant.
Coding change: c.8757A>T on transcript NM_018136.5 (MANE Select); coding-DNA position 8757, A replaced by T.
Protein change: p.Arg2919Ser; replaces arginine 2919 with serine.
Molecular consequence: missense variant. On other transcripts: intron variant (1).
Genome position (GRCh38, 1-based): chr1:197,100,494, T>A on the plus strand (A>T on the coding strand, the complement: ASPM is on the minus strand). VCF-style: chr1-197100494-T-A. GRCh37 (hg19) VCF-style: chr1-197069624-T-A.
Other names: c.4066-4330A>T (NM_001206846.2); short protein forms R2919S.
Identifiers: ClinVar variation 385623 (VCV000385623.4), dbSNP rs751097660, ClinGen allele CA1309158.

ClinVar aggregate classification (germline): Conflicting classifications of pathogenicity. Review status: criteria provided, conflicting classifications (1 of 4 stars). 2 submissions from 2 submitters: Uncertain significance (1); Likely benign (1). Last evaluated 2022-07-26.

Allele frequency attached by ClinVar (database versions not stated): ExAC 0.00002; gnomAD 0.00003 and 0.00004; gnomAD exomes 0.00003 and 0.00006; TOPMed 0.00005.
gnomAD v4.1: 21 of 1,607,532 alleles (0.0013%); highest among the groups gnomAD compares: Admixed American, 0.034%; no homozygotes.

Submissions (2):

Labcorp Genetics (formerly Invitae), Labcorp
Classification: Uncertain significance. Last evaluated: 2022-07-26. Review status: criteria provided, single submitter. Criteria: Invitae Variant Classification Sherloc (09022015). Collection method: clinical testing. Allele origin: germline.
Comment: This sequence change replaces arginine, which is basic and polar, with serine, which is neutral and polar, at codon 2919 of the ASPM protein (p.Arg2919Ser). This variant is present in population databases (rs751097660, gnomAD 0.05%). This variant has not been reported in the literature in individuals affected with ASPM-related conditions. ClinVar contains an entry for this variant (Variation ID: 385623). Algorithms developed to predict the effect of missense changes on protein structure and function output the following: SIFT: "Deleterious"; PolyPhen-2: "Benign"; Align-GVGD: "Class C0". The serine amino acid residue is found in multiple mammalian species, which suggests that this missense change does not adversely affect protein function. In summary, the available evidence is currently insufficient to determine the role of this variant in disease. Therefore, it has been classified as a Variant of Uncertain Significance.

GeneDx
Classification: Likely benign. Last evaluated: 2016-05-03. Review status: criteria provided, single submitter. Criteria: GeneDx Variant Classification (06012015). Collection method: clinical testing. Allele origin: germline. Affected: yes.
Comment: This variant is considered likely benign or benign based on one or more of the following criteria: it is a conservative change, it occurs at a poorly conserved position in the protein, it is predicted to be benign by multiple in silico algorithms, and/or has population frequency not consistent with disease.